The following is an entry in ClinVar:

NM_000059.4(BRCA2):c.8140C>T (p.Gln2714Ter)

Gene: BRCA2 (BRCA2 DNA repair associated; plus strand). Cytogenetic location: 13q13.1.
Variant type: single nucleotide variant.
Coding change: c.8140C>T on transcript NM_000059.4 (MANE Select); coding-DNA position 8140, C replaced by T.
Protein change: p.Gln2714Ter; replaces glutamine 2714 with a stop codon.
Molecular consequence: nonsense.
Genome position (GRCh38, 1-based): chr13:32,363,342, C>T. VCF-style: chr13-32363342-C-T. GRCh37 (hg19) VCF-style: chr13-32937479-C-T.
Other names: short protein forms Q2714*.
Identifiers: ClinVar variation 52511 (VCV000052511.29), dbSNP rs80359058, ClinGen allele CA025469.

ClinVar aggregate classification (germline): Pathogenic. Review status: reviewed by expert panel (3 of 4 stars). 6 submissions from 6 submitters: Pathogenic (1). 5 of the submissions do not count toward it. Last evaluated 2016-09-08.

Conditions:
Gastric cancer. Also called: Stomach cancer; Malignant tumor of stomach. Identifiers: MedGen C0024623, MeSH D013274, MONDO:0001056, OMIM 613659, HP:0012126.
Malignant tumor of urinary bladder. Also called: Urinary bladder cancer; Urinary Bladder Neoplasms; Bladder cancer. Identifiers: MedGen C0005684, MONDO:0001187, OMIM 109800.
Hereditary breast ovarian cancer syndrome. Also called: Hereditary breast and ovarian cancer syndrome; Breast and ovarian cancer; BRCA1- and BRCA2-Associated Hereditary Breast and Ovarian Cancer; Hereditary breast and/or ovarian cancer syndrome; Hereditary breast and ovarian cancer; Hereditary breast and ovarian cancer syndrome (HBOC). Identifiers: Orphanet 145, MedGen C0677776, MeSH D061325, MONDO:0003582. Disease mechanism: loss of function.
Breast-ovarian cancer, familial, susceptibility to, 2 (BROVCA2). Also called: BRCA2 Hereditary Breast and Ovarian Cancer. Identifiers: Orphanet 145, MedGen C2675520, MONDO:0012933, OMIM 612555. Disease mechanism: loss of function.

Submissions (6):

Evidence-based Network for the Interpretation of Germline Mutant Alleles (ENIGMA)
Classification: Pathogenic for Breast-ovarian cancer, familial, susceptibility to, 2. Last evaluated: 2016-09-08. Review status: reviewed by expert panel. Criteria: ENIGMA BRCA1/2 Classification Criteria (2015). Collection method: curation. Allele origin: germline.
Comment: Variant allele predicted to encode a truncated non-functional protein.

Labcorp Genetics (formerly Invitae), Labcorp
Classification: Pathogenic for Hereditary breast ovarian cancer syndrome. Last evaluated: 2025-09-01. Review status: criteria provided, single submitter. Criteria: Invitae Variant Classification Sherloc (09022015). Collection method: clinical testing. Allele origin: germline. Not counted in ClinVar's aggregate classification.
Comment: This sequence change creates a premature translational stop signal (p.Gln2714*) in the BRCA2 gene. It is expected to result in an absent or disrupted protein product. Loss-of-function variants in BRCA2 are known to be pathogenic (PMID: 20104584). This variant is not present in population databases (gnomAD no frequency). This premature translational stop signal has been observed in individual(s) with clinical features of hereditary breast and ovarian cancer syndrome (PMID: 9150172, 17351952, 29084914, 29446198). ClinVar contains an entry for this variant (Variation ID: 52511). For these reasons, this variant has been classified as Pathogenic.

Consortium of Investigators of Modifiers of BRCA1/2 (CIMBA), c/o University of Cambridge
Classification: Pathogenic for Breast-ovarian cancer, familial, susceptibility to, 2. Last evaluated: 2015-10-02. Review status: criteria provided, single submitter. Criteria: CIMBA Mutation Classification guidelines May 2016. Collection method: clinical testing. Allele origin: germline. Not counted in ClinVar's aggregate classification.

Laboratory for Genotyping Development, RIKEN
Classification: Pathogenic for Gastric cancer. Last evaluated: 2021-07-01. Review status: no assertion criteria provided. Collection method: research. Allele origin: germline. Not counted in ClinVar's aggregate classification.

Breast Cancer Information Core (BIC) (BRCA2)
Classification: Pathogenic for Breast-ovarian cancer, familial 2. Review status: no assertion criteria provided. Collection method: clinical testing. Allele origin: unknown. Affected: yes. Observed: 1 variant allele. Not counted in ClinVar's aggregate classification.

Laboratory of Urology, Hospital Clinic de Barcelona
Classification: Pathogenic for Malignant tumor of urinary bladder. Review status: no assertion criteria provided. Collection method: research. Allele origin: somatic. Affected: yes. Not counted in ClinVar's aggregate classification.

Literature cited by the submitters: PubMed 20104584 (cited by Labcorp Genetics (formerly Invitae), Labcorp); PubMed 9150172 (cited by Labcorp Genetics (formerly Invitae), Labcorp); PubMed 17351952 (cited by Labcorp Genetics (formerly Invitae), Labcorp); PubMed 29084914 (cited by Labcorp Genetics (formerly Invitae), Labcorp); PubMed 29446198 (cited by Labcorp Genetics (formerly Invitae), Labcorp); PubMed 36988593 (cited by Laboratory for Genotyping Development, RIKEN).